The following is an entry in ClinVar:

ClinVar aggregate classification (germline): Uncertain significance (1 of 4 stars; one submission).

Conditions:
JAK1-related disorder. Also called: JAK1-related condition.

Allele frequency attached by ClinVar (database versions not stated): gnomAD 0.00001; gnomAD exomes 0.00001; TOPMed 0.00002.
gnomAD v4.1: 15 of 1,613,706 alleles (0.00093%); highest among the groups gnomAD compares: Middle Eastern, 0.049%; no homozygotes.

Submission:

PreventionGenetics, part of Exact Sciences
Classification: Uncertain significance for JAK1-related condition. Last evaluated: 2022-11-14. Review status: criteria provided, single submitter. Criteria: ACMG Guidelines, 2015. Collection method: clinical testing. Allele origin: germline.
Comment: The JAK1 c.1079G>A variant is predicted to result in the amino acid substitution p.Arg360Gln. To our knowledge, this variant has not been reported in the literature. This variant is reported in 0.010% of alleles in individuals of East Asian descent in gnomAD. At this time, the clinical significance of this variant is uncertain due to the absence of conclusive functional and genetic evidence.

NM_002227.4(JAK1):c.1079G>A (p.Arg360Gln)

Gene: JAK1 (Janus kinase 1; minus strand). Cytogenetic location: 1p31.3.
Variant type: single nucleotide variant.
Coding change: c.1079G>A on transcript NM_002227.4 (MANE Select); coding-DNA position 1079, G replaced by A.
Protein change: p.Arg360Gln; replaces arginine 360 with glutamine.
Molecular consequence: missense variant.
Genome position (GRCh38, 1-based): chr1:64,864,884, C>T on the plus strand (G>A on the coding strand, the complement: JAK1 is on the minus strand). VCF-style: chr1-64864884-C-T. GRCh37 (hg19) VCF-style: chr1-65330567-C-T.
Other names: c.1079G>A, p.Arg360Gln (NM_001320923.2, NM_001321852.2, NM_001321853.2 and 4 more transcripts); short protein forms R360Q.
Identifiers: ClinVar variation 2635656 (VCV002635656.1), dbSNP rs1290427088, ClinGen allele CA340673772.